The following is an entry in ClinVar:

ClinVar aggregate classification (germline): Uncertain significance (1 of 4 stars; one submission).

gnomAD v4.1: 10 of 1,209,619 alleles (0.00083%); highest among the groups gnomAD compares: Non-Finnish European, 0.001%; no homozygotes.

Submission:

GeneDx
Classification: Uncertain significance. Last evaluated: 2023-12-21. Review status: criteria provided, single submitter. Criteria: GeneDx Variant Classification Process June 2021. Collection method: clinical testing. Allele origin: germline. Affected: yes.
Comment: Not observed at significant frequency in large population cohorts (gnomAD); In silico analysis indicates that this variant does not alter splicing; Has not been previously published as pathogenic or benign to our knowledge

NM_002294.3(LAMP2):c.1093+2462C>T

Gene: LAMP2 (lysosomal associated membrane protein 2; minus strand). Cytogenetic location: Xq24.
Variant type: single nucleotide variant.
Coding change: c.1093+2462C>T on transcript NM_002294.3 (MANE Select); 2462 bases into the intron after coding-DNA position 1093, C replaced by T.
Molecular consequence: intron variant. On other transcripts: synonymous variant (1).
Genome position (GRCh38, 1-based): chrX:120,439,268, G>A on the plus strand (C>T on the coding strand, the complement: LAMP2 is on the minus strand). VCF-style: chrX-120439268-G-A. GRCh37 (hg19) VCF-style: chrX-119573123-G-A.
Other names: c.1119C>T, p.Asp373= (NM_013995.2); c.1093+2462C>T (NM_001122606.1).
Identifiers: ClinVar variation 3370197 (VCV003370197.1).